The following is an entry in ClinVar:

NM_014889.4(PITRM1):c.2920A>G (p.Met974Val)

Gene: PITRM1 (pitrilysin metallopeptidase 1; minus strand). Cytogenetic location: 10p15.2.
Variant type: single nucleotide variant.
Coding change: c.2920A>G on transcript NM_014889.4 (MANE Select); coding-DNA position 2920, A replaced by G.
Protein change: p.Met974Val; replaces methionine 974 with valine.
Molecular consequence: missense variant. On other transcripts: non-coding transcript variant (4).
Genome position (GRCh38, 1-based): chr10:3,138,335, T>C on the plus strand (A>G on the coding strand, the complement: PITRM1 is on the minus strand). VCF-style: chr10-3138335-T-C. GRCh37 (hg19) VCF-style: chr10-3180527-T-C.
Other names: c.2923A>G (NM_001242307.1); c.2923A>G, p.Met975Val (NM_001242307.2); c.2626A>G, p.Met876Val (NM_001242309.1); c.2722A>G, p.Met908Val (NM_001347725.2); c.2107A>G, p.Met703Val (NM_001347726.2); c.2305A>G, p.Met769Val (NM_001347727.2); c.1615A>G, p.Met539Val (NM_001347728.2); c.2896A>G, p.Met966Val (NM_001347729.1); and 1 more; short protein forms M539V, M876V, M908V, M703V, M900V, M975V, M769V, M966V.
Identifiers: ClinVar variation 1467398 (VCV001467398.7), dbSNP rs777002537, ClinGen allele CA5387105.
Genomic context (GRCh38, chr10:3,138,335, plus strand): 5'-AGAGCTGCTCTCTGTGGGCCTGCTTCATCTCATCCGAGAGGCCGTACAAGAAGTGGTCCA[T>C]TCCTAGAAGACAATCCACAGGCACGATGGAGCCGCTGCCCGGGAGCTCGCGTTGTGGGCT-3'
Protein context (NP_055704.2, residues 964-984): DAPVAPSDKG[Met974Val]DHFLYGLSDE

ClinVar aggregate classification (germline): Uncertain significance. Review status: criteria provided, multiple submitters, no conflicts (2 of 4 stars). 2 submissions from 2 submitters: Uncertain significance (2). Last evaluated 2023-06-29.

Allele frequency attached by ClinVar (database versions not stated): gnomAD exomes below 0.00001 and 0.00002; TOPMed below 0.00001; gnomAD 0.00001; ExAC 0.00003; 1000 Genomes Project 30x 0.00016.
gnomAD v4.1: 6 of 1,610,604 alleles (0.00037%); highest among the groups gnomAD compares: East Asian, 0.011%; no homozygotes.

Submissions (2):

Ambry Genetics
Classification: Uncertain significance. Last evaluated: 2023-06-29. Review status: criteria provided, single submitter. Criteria: Ambry Variant Classification Scheme 2023. Collection method: clinical testing. Allele origin: germline.

Labcorp Genetics (formerly Invitae), Labcorp
Classification: Uncertain significance. Last evaluated: 2021-11-11. Review status: criteria provided, single submitter. Criteria: Invitae Variant Classification Sherloc (09022015). Collection method: clinical testing. Allele origin: germline.
Comment: In summary, the available evidence is currently insufficient to determine the role of this variant in disease. Therefore, it has been classified as a Variant of Uncertain Significance. This sequence change replaces methionine, which is neutral and non-polar, with valine, which is neutral and non-polar, at codon 876 of the PITRM1 protein (p.Met876Val). This variant is present in population databases (rs777002537, gnomAD 0.03%). This variant has not been reported in the literature in individuals affected with PITRM1-related conditions. Algorithms developed to predict the effect of missense changes on protein structure and function (SIFT, PolyPhen-2, Align-GVGD) all suggest that this variant is likely to be tolerated.